The following is an entry in ClinVar:

NM_001370348.2(PHF3):c.697G>A (p.Gly233Arg)

Gene: PHF3 (PHD finger protein 3; plus strand). Cytogenetic location: 6q12.
Variant type: single nucleotide variant.
Coding change: c.697G>A on transcript NM_001370348.2 (MANE Select); coding-DNA position 697, G replaced by A.
Protein change: p.Gly233Arg; replaces glycine 233 with arginine.
Molecular consequence: missense variant. On other transcripts: intron variant (1).
Genome position (GRCh38, 1-based): chr6:63,684,419, G>A. VCF-style: chr6-63684419-G-A. GRCh37 (hg19) VCF-style: chr6-64394320-G-A.
Other names: c.433G>A, p.Gly145Arg (NM_001290259.2, NM_001370349.2); c.697G>A, p.Gly233Arg (NM_001290260.2, NM_015153.4); c.-5+4258G>A (NM_001370350.2); short protein forms G145R, G233R.
Identifiers: ClinVar variation 3041920 (VCV003041920.2), dbSNP rs114037821, ClinGen allele CA3875562.

ClinVar aggregate classification (germline): Benign (0 of 4 stars; one submission).

Conditions:
PHF3-related disorder. Also called: PHF3-related condition.

Allele frequency attached by ClinVar (database versions not stated): gnomAD exomes 0.00074; ExAC 0.00203; gnomAD 0.00668; TOPMed 0.00744; 1000 Genomes Project 0.00779; ESP Exome Variant Server 0.00784; 1000 Genomes Project 30x 0.00812.
gnomAD v4.1: 2,147 of 1,613,986 alleles (0.13%); highest among the groups gnomAD compares: African/African-American, 2.3%; 27 homozygotes.

Submission:

PreventionGenetics, part of Exact Sciences
Classification: Benign for PHF3-related condition. Last evaluated: 2021-06-15. Review status: no assertion criteria provided. Collection method: clinical testing. Allele origin: germline.
Comment: This variant is classified as benign based on ACMG/AMP sequence variant interpretation guidelines (Richards et al. 2015 PMID: 25741868, with internal and published modifications).